The following is an entry in ClinVar:

ClinVar aggregate classification (germline): Likely benign. Review status: criteria provided, multiple submitters, no conflicts (2 of 4 stars). 2 submissions from 2 submitters: Likely benign (2). Last evaluated 2022-05-01.

Allele frequency attached by ClinVar (database versions not stated): gnomAD exomes 0.00001; gnomAD 0.00002; TOPMed 0.00002.
gnomAD v4.1: 21 of 1,613,832 alleles (0.0013%); highest among the groups gnomAD compares: Admixed American, 0.013%; no homozygotes.

Submissions (2):

CeGaT Center for Human Genetics Tuebingen
Classification: Likely benign. Last evaluated: 2022-05-01. Review status: criteria provided, single submitter. Criteria: CeGaT Center For Human Genetics Tuebingen Variant Classification Criteria Version 2. Collection method: clinical testing. Allele origin: germline. Affected: yes. Observed: 1 variant allele.
Comment: TUBG1: BP4, BP7

GeneDx
Classification: Likely benign. Last evaluated: 2018-02-02. Review status: criteria provided, single submitter. Criteria: GeneDx Variant Classification (06012015). Collection method: clinical testing. Allele origin: germline. Affected: yes.
Comment: This variant is considered likely benign or benign based on one or more of the following criteria: it is a conservative change, it occurs at a poorly conserved position in the protein, it is predicted to be benign by multiple in silico algorithms, and/or has population frequency not consistent with disease.

NM_001070.5(TUBG1):c.906C>T (p.Asn302=)

Gene: TUBG1 (tubulin gamma 1; plus strand). Cytogenetic location: 17q21.2.
Variant type: single nucleotide variant.
Coding change: c.906C>T on transcript NM_001070.5 (MANE Select); coding-DNA position 906, C replaced by T.
Protein change: p.Asn302=; no amino-acid change (asparagine 302 retained).
Molecular consequence: synonymous variant.
Genome position (GRCh38, 1-based): chr17:42,614,322, C>T. VCF-style: chr17-42614322-C-T. GRCh37 (hg19) VCF-style: chr17-40766340-C-T.
Identifiers: ClinVar variation 515393 (VCV000515393.32), dbSNP rs1236772197, ClinGen allele CA500221211.
Genomic context (GRCh38, chr17:42,614,322, plus strand): 5'-GGCCAGCGTGAGGAAGACCACGGTCCTGGATGTCATGAGGCGGCTGCTGCAGCCCAAGAA[C>T]GTGATGGTGTCCACAGGCCGAGACCGCCAGACCAACCACTGCTACATCGCCATCCTCAAC-3'
Protein context (NP_001061.2, residues 292-312): DVMRRLLQPK[Asn302=]VMVSTGRDRQ